The following is an entry in ClinVar:

ClinVar aggregate classification (germline): Uncertain significance (1 of 4 stars; one submission).

Conditions:
Rhabdoid tumor predisposition syndrome 2 (RTPS2). Identifiers: Orphanet 231108, Orphanet 69077, MedGen C2750074, MONDO:0013224, OMIM 613325.

Submission:

Labcorp Genetics (formerly Invitae), Labcorp
Classification: Uncertain significance for Rhabdoid tumor predisposition syndrome 2. Last evaluated: 2024-09-12. Review status: criteria provided, single submitter. Criteria: Invitae Variant Classification Sherloc (09022015). Collection method: clinical testing. Allele origin: germline.
Comment: This sequence change replaces glutamine, which is neutral and polar, with proline, which is neutral and non-polar, at codon 1185 of the SMARCA4 protein (p.Gln1185Pro). This variant is not present in population databases (gnomAD no frequency). This variant has not been reported in the literature in individuals affected with SMARCA4-related conditions. Invitae Evidence Modeling of protein sequence and biophysical properties (such as structural, functional, and spatial information, amino acid conservation, physicochemical variation, residue mobility, and thermodynamic stability) indicates that this missense variant is expected to disrupt SMARCA4 protein function with a positive predictive value of 95%. In summary, the available evidence is currently insufficient to determine the role of this variant in disease. Therefore, it has been classified as a Variant of Uncertain Significance.

NM_003072.5(SMARCA4):c.3554A>C (p.Gln1185Pro)

Gene: SMARCA4 (SWI/SNF related BAF chromatin remodeling complex subunit ATPase 4; plus strand). Cytogenetic location: 19p13.2.
Variant type: single nucleotide variant.
Coding change: c.3554A>C on transcript NM_003072.5 (MANE Select); coding-DNA position 3554, A replaced by C.
Protein change: p.Gln1185Pro; replaces glutamine 1185 with proline.
Molecular consequence: missense variant. On other transcripts: non-coding transcript variant (1).
Genome position (GRCh38, 1-based): chr19:11,033,297, A>C. VCF-style: chr19-11033297-A-C. GRCh37 (hg19) VCF-style: chr19-11143973-A-C.
Other names: c.3554A>C, p.Gln1185Pro (NM_001128844.3, NM_001128845.2, NM_001128846.2 and 6 more transcripts); short protein forms Q1185P.
Identifiers: ClinVar variation 3636878 (VCV003636878.2).